The following is an entry in ClinVar:

ClinVar aggregate classification (germline): Uncertain significance (1 of 4 stars; one submission).

Allele frequency attached by ClinVar (database versions not stated): gnomAD exomes below 0.00001.
gnomAD v4.1: 4 of 1,606,196 alleles (0.00025%); highest among the groups gnomAD compares: Non-Finnish European, 0.00034%; no homozygotes.

Submission:

CeGaT Center for Human Genetics Tuebingen
Classification: Uncertain significance. Last evaluated: 2022-10-01. Review status: criteria provided, single submitter. Criteria: CeGaT Center For Human Genetics Tuebingen Variant Classification Criteria Version 2. Collection method: clinical testing. Allele origin: germline. Affected: yes. Observed: 1 variant allele.
Comment: CTNND2: PM2, BP4

NM_001332.4(CTNND2):c.2160-8C>A

Gene: CTNND2 (catenin delta 2; minus strand). Cytogenetic location: 5p15.2.
Variant type: single nucleotide variant.
Coding change: c.2160-8C>A on transcript NM_001332.4 (MANE Select); 8 bases into the intron before coding-DNA position 2160, C replaced by A.
Molecular consequence: intron variant.
Genome position (GRCh38, 1-based): chr5:11,117,575, G>T on the plus strand (C>A on the coding strand, the complement: CTNND2 is on the minus strand). VCF-style: chr5-11117575-G-T. GRCh37 (hg19) VCF-style: chr5-11117687-G-T.
Other names: c.861-8C>A (NM_001288717.2); c.1149-8C>A (NM_001364128.2, NM_001288716.1); c.1887-8C>A (NM_001288715.1).
Identifiers: ClinVar variation 2655296 (VCV002655296.24), dbSNP rs1239711067, ClinGen allele CA557523855.